The following is an entry in ClinVar:

NM_022893.4(BCL11A):c.568C>T (p.Gln190Ter)

Gene: BCL11A (BCL11 transcription factor A; minus strand). Cytogenetic location: 2p16.1.
Variant type: single nucleotide variant.
Coding change: c.568C>T on transcript NM_022893.4 (MANE Select); coding-DNA position 568, C replaced by T.
Protein change: p.Gln190Ter; replaces glutamine 190 with a stop codon.
Molecular consequence: nonsense. On other transcripts: non-coding transcript variant (1).
Genome position (GRCh38, 1-based): chr2:60,462,344, G>A on the plus strand (C>T on the coding strand, the complement: BCL11A is on the minus strand). VCF-style: chr2-60462344-G-A. GRCh37 (hg19) VCF-style: chr2-60689479-G-A.
Other names: c.466C>T, p.Gln156Ter (NM_001363864.1, NM_001365609.1, NM_001405711.1 and 3 more transcripts); c.568C>T, p.Gln190Ter (NM_001405708.1, NM_001405709.1, NM_001405710.1 and 4 more transcripts); c.412C>T, p.Gln138Ter (NM_001405713.1, NM_001405714.1, NM_001405715.1 and 6 more transcripts); c.310C>T, p.Gln104Ter (NM_001405717.1, NM_001405736.1, NM_001405718.1 and 1 more transcripts); c.112C>T, p.Gln38Ter (NM_001405728.1, NM_001405731.1, NM_001405725.1 and 2 more transcripts); c.235C>T, p.Gln79Ter (NM_001405720.1, NM_001405721.1); short protein forms Q104*, Q138*, Q156*, Q190*, Q38*, Q79*.
Identifiers: ClinVar variation 4851784 (VCV004851784.1).

ClinVar aggregate classification (germline): Likely pathogenic (1 of 4 stars; one submission).

Submission:

Dasa
Classification: Likely pathogenic. Last evaluated: 2024-08-23. Review status: criteria provided, single submitter. Criteria: DASA Assertion Criteria. Collection method: clinical testing. Allele origin: germline.
Comment: NM_022893.4(BCL11A):c.568C>T (p.Gln190*) introduces a premature termination codon predicted to result in loss of normal protein function. Loss-of-function is an established mechanism of disease for this gene. Based on the available data, this variant is classified as likely pathogenic.